The following is an entry in ClinVar:

ClinVar aggregate classification (germline): Uncertain significance (1 of 4 stars; one submission).

Conditions:
Inborn genetic diseases. Identifiers: MedGen C0950123, MeSH D030342.

Submission:

Ambry Genetics
Classification: Uncertain significance for Inborn genetic diseases. Last evaluated: 2025-08-05. Review status: criteria provided, single submitter. Criteria: Ambry Variant Classification Scheme 2023. Collection method: clinical testing. Allele origin: germline.
Comment: The p.G351V variant (also known as c.1052G>T), located in coding exon 5 of the RECQL4 gene, results from a G to T substitution at nucleotide position 1052. The glycine at codon 351 is replaced by valine, an amino acid with dissimilar properties. This amino acid position is conserved. In addition, the in silico prediction for this alteration is inconclusive. Based on the available evidence, the clinical significance of this variant remains unclear.

NM_004260.4(RECQL4):c.1052G>T (p.Gly351Val)

Gene: RECQL4 (RecQ like helicase 4; minus strand). Cytogenetic location: 8q24.3.
Variant type: single nucleotide variant.
Coding change: c.1052G>T on transcript NM_004260.4 (MANE Select); coding-DNA position 1052, G replaced by T.
Protein change: p.Gly351Val; replaces glycine 351 with valine.
Molecular consequence: missense variant. On other transcripts: 5 prime UTR variant (17), non-coding transcript variant (3).
Genome position (GRCh38, 1-based): chr8:144,516,067, C>A on the plus strand (G>T on the coding strand, the complement: RECQL4 is on the minus strand). VCF-style: chr8-144516067-C-A. GRCh37 (hg19) VCF-style: chr8-145741451-C-A.
Other names: c.1052G>T, p.Gly351Val (NM_001413033.1, NM_001413036.1, NM_001413039.1 and 2 more transcripts); c.-20G>T (NM_001413034.1, NM_001413035.1, NM_001413037.1 and 8 more transcripts); c.-82G>T (NM_001413041.1, NM_001413027.1, NM_001413030.1 and 2 more transcripts); c.-289G>T (NM_001413043.1); c.956G>T, p.Gly319Val (NM_001413017.1, NM_001413020.1); c.923G>T, p.Gly308Val (NM_001413025.1); c.701G>T, p.Gly234Val (NM_001413029.1); short protein forms G351V, G308V, G319V, G234V.
Identifiers: ClinVar variation 4152407 (VCV004152407.1).